The following is an entry in ClinVar:

NM_000051.4(ATM):c.2339T>C (p.Met780Thr)

Gene: ATM (ATM serine/threonine kinase; plus strand). Cytogenetic location: 11q22.3.
Variant type: single nucleotide variant.
Coding change: c.2339T>C on transcript NM_000051.4 (MANE Select); coding-DNA position 2339, T replaced by C.
Protein change: p.Met780Thr; replaces methionine 780 with threonine.
Molecular consequence: missense variant.
Genome position (GRCh38, 1-based): chr11:108,257,569, T>C. VCF-style: chr11-108257569-T-C. GRCh37 (hg19) VCF-style: chr11-108128296-T-C.
Other names: c.2339T>C, p.Met780Thr (NM_001351834.2); short protein forms M780T.
Identifiers: ClinVar variation 2453967 (VCV002453967.5), dbSNP rs2497387520, ClinGen allele CA382540140.

ClinVar aggregate classification (germline): Uncertain significance. Review status: criteria provided, multiple submitters, no conflicts (2 of 4 stars). 2 submissions from 2 submitters: Uncertain significance (2). Last evaluated 2024-06-09.

Conditions:
Ataxia-telangiectasia syndrome (AT). Also called: Ataxia-telangiectasia, complementation group D; AT, COMPLEMENTATION GROUP C; Cerebello-oculocutaneous telangiectasia; Immunodeficiency with ataxia telangiectasia; Ataxia-telangiectasia, complementation group E; Ataxia telangiectasia (A-T). Identifiers: Orphanet 100, MedGen C0004135, MONDO:0008840, OMIM 208900.
Hereditary cancer-predisposing syndrome. Also called: Hereditary neoplastic syndrome; Tumor predisposition; Neoplastic Syndromes, Hereditary; Hereditary Cancer Syndrome. Identifiers: Orphanet 140162, MedGen C0027672, MeSH D009386, MONDO:0015356.

Allele frequency attached by ClinVar (database versions not stated): gnomAD exomes below 0.00001.
gnomAD v4.1: 1 of 1,614,046 alleles (0.000062%); highest among the groups gnomAD compares: Admixed American, 0.0017%; no homozygotes.

Submissions (2):

Labcorp Genetics (formerly Invitae), Labcorp
Classification: Uncertain significance for Ataxia-telangiectasia syndrome. Last evaluated: 2024-06-09. Review status: criteria provided, single submitter. Criteria: Invitae Variant Classification Sherloc (09022015). Collection method: clinical testing. Allele origin: germline.
Comment: This sequence change replaces methionine, which is neutral and non-polar, with threonine, which is neutral and polar, at codon 780 of the ATM protein (p.Met780Thr). This variant is not present in population databases (gnomAD no frequency). This variant has not been reported in the literature in individuals affected with ATM-related conditions. ClinVar contains an entry for this variant (Variation ID: 2453967). An algorithm developed to predict the effect of missense changes on protein structure and function (PolyPhen-2) suggests that this variant is likely to be tolerated. In summary, the available evidence is currently insufficient to determine the role of this variant in disease. Therefore, it has been classified as a Variant of Uncertain Significance.

Ambry Genetics
Classification: Uncertain significance for Hereditary cancer-predisposing syndrome. Last evaluated: 2023-01-27. Review status: criteria provided, single submitter. Criteria: Ambry Variant Classification Scheme 2023. Collection method: clinical testing. Allele origin: germline.
Comment: The p.M780T variant (also known as c.2339T>C), located in coding exon 14 of the ATM gene, results from a T to C substitution at nucleotide position 2339. The methionine at codon 780 is replaced by threonine, an amino acid with similar properties. This amino acid position is not well conserved in available vertebrate species. In addition, the in silico prediction for this alteration is inconclusive. Since supporting evidence is limited at this time, the clinical significance of this alteration remains unclear.